The following is an entry in ClinVar:

NM_001384140.1(PCDH15):c.372A>T (p.Lys124Asn)

Gene: PCDH15 (protocadherin related 15; minus strand). Cytogenetic location: 10q21.1.
Variant type: single nucleotide variant.
Coding change: c.372A>T on transcript NM_001384140.1 (MANE Select); coding-DNA position 372, A replaced by T.
Protein change: p.Lys124Asn; replaces lysine 124 with asparagine.
Molecular consequence: missense variant.
Genome position (GRCh38, 1-based): chr10:54,369,222, T>A on the plus strand (A>T on the coding strand, the complement: PCDH15 is on the minus strand). VCF-style: chr10-54369222-T-A. GRCh37 (hg19) VCF-style: chr10-56128982-T-A.
Other names: c.387A>T, p.Lys129Asn (NM_001142763.2, NM_001142769.4, NM_001142771.2); c.372A>T, p.Lys124Asn (NM_001142764.2, NM_001142765.2, NM_001142766.2 and 8 more transcripts); c.306A>T, p.Lys102Asn (NM_001142768.2, NM_001142773.2, NM_001354404.2); short protein forms K129N, K124N, K102N.
Identifiers: ClinVar variation 2201623 (VCV002201623.1), dbSNP rs753916542, ClinGen allele CA5506708.

ClinVar aggregate classification (germline): Uncertain significance (1 of 4 stars; one submission).

Allele frequency attached by ClinVar (database versions not stated): ExAC 0.00001.
gnomAD v4.1: 29 of 1,612,864 alleles (0.0018%); highest among the groups gnomAD compares: South Asian, 0.0044%; no homozygotes.

Submission:

Labcorp Genetics (formerly Invitae), Labcorp
Classification: Uncertain significance. Last evaluated: 2022-04-08. Review status: criteria provided, single submitter. Criteria: Invitae Variant Classification Sherloc (09022015). Collection method: clinical testing. Allele origin: germline.
Comment: This sequence change replaces lysine, which is basic and polar, with asparagine, which is neutral and polar, at codon 124 of the PCDH15 protein (p.Lys124Asn). This variant is present in population databases (rs753916542, gnomAD 0.006%). This variant has not been reported in the literature in individuals affected with PCDH15-related conditions. Algorithms developed to predict the effect of missense changes on protein structure and function (SIFT, PolyPhen-2, Align-GVGD) all suggest that this variant is likely to be tolerated. In summary, the available evidence is currently insufficient to determine the role of this variant in disease. Therefore, it has been classified as a Variant of Uncertain Significance.